The following is an entry in ClinVar:

NM_000492.4(CFTR):c.458G>A (p.Arg153Lys)

Gene: CFTR (CF transmembrane conductance regulator; plus strand). Cytogenetic location: 7q31.2.
Variant type: single nucleotide variant.
Coding change: c.458G>A on transcript NM_000492.4 (MANE Select); coding-DNA position 458, G replaced by A.
Protein change: p.Arg153Lys; replaces arginine 153 with lysine.
Molecular consequence: missense variant.
Genome position (GRCh38, 1-based): chr7:117,531,083, G>A. VCF-style: chr7-117531083-G-A. GRCh37 (hg19) VCF-style: chr7-117171137-G-A.
Other names: p.Arg153Lys; c.458G>A (NM_000492.3); short protein forms R153K.
Identifiers: ClinVar variation 1518294 (VCV001518294.12), dbSNP rs149197463, ClinGen allele CA4450725.

ClinVar aggregate classification (germline): Conflicting classifications of pathogenicity. Review status: criteria provided, conflicting classifications (1 of 4 stars). 7 submissions from 7 submitters: Likely pathogenic (1); Uncertain significance (5). 1 of the submissions does not count toward it. Last evaluated 2023-09-25.

Conditions:
Cystic fibrosis (CF). Also called: MUCOVISCIDOSIS. Identifiers: Orphanet 586, MedGen C0010674, MONDO:0009061, OMIM 219700. Disease mechanism: loss of function.
Bronchiectasis with or without elevated sweat chloride 1 (BESC1). Also called: Cystic Fibrosis-Like Syndrome. Identifiers: Orphanet 60033, MedGen C2749757, MONDO:0008887, OMIM 211400.
Hereditary pancreatitis (PCTT). Also called: Hereditary chronic pancreatitis; PRSS1-Related Hereditary Pancreatitis. Identifiers: Orphanet 676, MedGen C0238339, MONDO:0008185, OMIM 167800.
Congenital bilateral aplasia of vas deferens from CFTR mutation (CBAVD). Identifiers: Orphanet 48, MedGen C0403814, MONDO:0010178, OMIM 277180. Disease mechanism: loss of function.
CFTR-related disorder (CFTR-RD). Also called: CFTR-related condition; CFTR-related disorders. Identifiers: MedGen C5924204, MONDO:7770004.
Spermatogenic failure, Y-linked, 2 (SPGFY2). Also called: AZOOSPERMIA, NONOBSTRUCTIVE, Y-LINKED; SPERMATOGENIC ARREST, Y-LINKED; SPERMATOGENIC FAILURE, NONOBSTRUCTIVE, Y-LINKED; OLIGOSPERMIA, NONOBSTRUCTIVE, Y-LINKED; OLIGOZOOSPERMIA, NONOBSTRUCTIVE, Y-LINKED. Identifiers: Orphanet 1646, MedGen C1839071, MONDO:0010767, OMIM 415000. Disease mechanism: loss of function.

Allele frequency attached by ClinVar (database versions not stated): gnomAD exomes 0.00001; ESP Exome Variant Server 0.00008; ExAC 0.00002.
gnomAD v4.1: 12 of 1,613,468 alleles (0.00074%); highest among the groups gnomAD compares: Non-Finnish European, 0.00093%; no homozygotes.

Submissions (7):

Ambry Genetics
Classification: Uncertain significance for Cystic fibrosis. Last evaluated: 2023-09-25. Review status: criteria provided, single submitter. Criteria: Ambry Variant Classification Scheme 2023. Collection method: clinical testing. Allele origin: germline.
Comment: The p.R153K variant (also known as c.458G>A), located in coding exon 4 of the CFTR gene, results from a G to A substitution at nucleotide position 458. The arginine at codon 153 is replaced by lysine, an amino acid with highly similar properties. This amino acid position is highly conserved in available vertebrate species. In addition, this alteration is predicted to be deleterious by in silico analysis. Since supporting evidence is limited at this time, the clinical significance of this alteration remains unclear.

Institute of Human Genetics, University of Leipzig Medical Center
Classification: Uncertain significance for Cystic fibrosis. Last evaluated: 2022-09-05. Review status: criteria provided, single submitter. Criteria: ACMG Guidelines, 2015. Collection method: curation. Allele origin: unknown. Affected: yes. Observed: 1 variant allele.
Comment: The variant was classified in the context of a project re-classifying variants in the German Cystic Fibrosis Registry (Muko.e.V.). Criteria applied: PM2_SUP, PM5, PP3, PP4

Labcorp Genetics (formerly Invitae), Labcorp
Classification: Uncertain significance for Cystic fibrosis. Last evaluated: 2022-06-09. Review status: criteria provided, single submitter. Criteria: Invitae Variant Classification Sherloc (09022015). Collection method: clinical testing. Allele origin: germline.
Comment: This sequence change replaces arginine, which is basic and polar, with lysine, which is basic and polar, at codon 153 of the CFTR protein (p.Arg153Lys). This variant is present in population databases (rs149197463, gnomAD 0.002%). This variant has not been reported in the literature in individuals affected with CFTR-related conditions. Algorithms developed to predict the effect of missense changes on protein structure and function are either unavailable or do not agree on the potential impact of this missense change (SIFT: "Tolerated"; PolyPhen-2: "Probably Damaging"; Align-GVGD: "Class C0"). In summary, the available evidence is currently insufficient to determine the role of this variant in disease. Therefore, it has been classified as a Variant of Uncertain Significance.

Centre of Medical Genetics, University Hospital Muenster
Classification: Likely pathogenic for Spermatogenic failure, Y-linked, 2. Last evaluated: 2022-02-14. Review status: criteria provided, single submitter. Criteria: ACMG Guidelines, 2015. Collection method: clinical testing. Allele origin: unknown. Affected: yes. Observed: 1 variant allele, 1 heterozygote.
Comment: ACMG categories: PM2,PM5,PP2,PP3

Mayo Clinic Laboratories, Mayo Clinic
Classification: Uncertain significance. Last evaluated: 2022-02-08. Review status: criteria provided, single submitter. Criteria: ACMG Guidelines, 2015. Collection method: clinical testing. Allele origin: germline. Observed: 1 variant allele.
Comment: PP3, PM2

Fulgent Genetics
Classification: Uncertain significance for Hereditary pancreatitis; Bronchiectasis with or without elevated sweat chloride 1; Cystic fibrosis; Congenital bilateral aplasia of vas deferens from CFTR mutation. Last evaluated: 2021-09-03. Review status: criteria provided, single submitter. Criteria: ACMG Guidelines, 2015. Collection method: clinical testing. Allele origin: unknown.

PreventionGenetics, part of Exact Sciences
Classification: Uncertain significance for CFTR-related condition. Last evaluated: 2024-01-31. Review status: no assertion criteria provided. Collection method: clinical testing. Allele origin: germline. Not counted in ClinVar's aggregate classification.
Comment: The CFTR c.458G>A variant is predicted to result in the amino acid substitution p.Arg153Lys. This variant, along with a CFTR exonic deletion, has been reported in an individual with cystic fibrosis although no information regarding phase was provided (Table 3, Nikiforova et al. 2018. doi: 10.24075/brsmu.2018.037). This variant is reported in 0.0018% of alleles in individuals of European (non-Finnish) descent in gnomAD. A different missense change at the same position (p.Arg153Ile) has been reported in the compound heterozygous state in two individuals with cystic fibrosis (Table 2, Ziekiewicz et al. 2014. PubMed ID: 24586523). At this time, the clinical significance of this variant is uncertain due to the absence of conclusive functional and genetic evidence.